The following is an entry in ClinVar:

NM_020937.4(FANCM):c.624A>G (p.Ile208Met)

Gene: FANCM (FA complementation group M; plus strand). Cytogenetic location: 14q21.2.
Variant type: single nucleotide variant.
Coding change: c.624A>G on transcript NM_020937.4 (MANE Select); coding-DNA position 624, A replaced by G.
Protein change: p.Ile208Met; replaces isoleucine 208 with methionine.
Molecular consequence: missense variant.
Genome position (GRCh38, 1-based): chr14:45,137,184, A>G. VCF-style: chr14-45137184-A-G. GRCh37 (hg19) VCF-style: chr14-45606387-A-G.
Other names: c.624A>G, p.Ile208Met (NM_001308133.2, NM_001308134.2); short protein forms I208M.
Identifiers: ClinVar variation 241326 (VCV000241326.52), dbSNP rs45547534, ClinGen allele CA7168812.

ClinVar aggregate classification (germline): Benign/Likely benign. Review status: criteria provided, multiple submitters, no conflicts (2 of 4 stars). 10 submissions from 10 submitters: Benign (5); Likely benign (4). 1 of the submissions does not count toward it. Last evaluated 2026-10-01.

Conditions:
Premature ovarian failure 15. Identifiers: MedGen C4748170, MONDO:0054862, OMIM 618096.
Fanconi anemia (FA). Also called: Fanconi's anemia. Identifiers: Orphanet 84, MedGen C0015625, MeSH D005199, MONDO:0019391.

Allele frequency attached by ClinVar (database versions not stated): 1000 Genomes Project 0.00539; 1000 Genomes Project 30x 0.00640; gnomAD exomes 0.01021 and 0.01471; gnomAD 0.01039 and 0.01077; TOPMed 0.01056; ExAC 0.01068; ESP Exome Variant Server 0.01138.
gnomAD v4.1: 22,878 of 1,613,676 alleles (1.4%); highest among the groups gnomAD compares: Non-Finnish European, 1.7%; 194 homozygotes.

Submissions (10):

CeGaT Center for Human Genetics Tuebingen
Classification: Benign. Last evaluated: 2026-10-01. Review status: criteria provided, single submitter. Criteria: CeGaT Center For Human Genetics Tuebingen Variant Classification Criteria Version 2. Collection method: clinical testing. Allele origin: germline. Affected: yes. Observed: 113 variant alleles.
Comment: FANCM: BP4, BS1, BS2

Labcorp Genetics (formerly Invitae), Labcorp
Classification: Benign for Fanconi anemia. Last evaluated: 2026-02-03. Review status: criteria provided, single submitter. Criteria: Invitae Variant Classification Sherloc (09022015). Collection method: clinical testing. Allele origin: germline.

Mayo Clinic Laboratories, Mayo Clinic
Classification: Likely benign. Last evaluated: 2025-09-29. Review status: criteria provided, single submitter. Criteria: ACMG Guidelines, 2015. Collection method: clinical testing. Allele origin: germline. Observed: 2 variant alleles.
Comment: BS1, BP4_moderate

Quest Diagnostics Nichols Institute San Juan Capistrano
Classification: Benign. Last evaluated: 2025-03-28. Review status: criteria provided, single submitter. Criteria: Quest Diagnostics criteria. Collection method: clinical testing. Allele origin: unknown.

Blueprint Genetics
Classification: Likely benign. Last evaluated: 2024-11-27. Review status: criteria provided, single submitter. Criteria: ACMG Guidelines, 2015. Collection method: clinical testing. Allele origin: germline.

KCCC/NGS Laboratory, Kuwait Cancer Control Center
Classification: Benign for Premature ovarian failure 15. Last evaluated: 2023-07-07. Review status: criteria provided, single submitter. Criteria: ACMG Guidelines, 2015. Collection method: clinical testing. Allele origin: germline. Affected: yes.

GeneDx
Classification: Likely benign. Last evaluated: 2021-03-21. Review status: criteria provided, single submitter. Criteria: GeneDx Variant Classification Process June 2021. Collection method: clinical testing. Allele origin: germline. Affected: yes.

ARUP Laboratories, Molecular Genetics and Genomics, ARUP Laboratories
Classification: Benign. Last evaluated: 2017-02-17. Review status: criteria provided, single submitter. Criteria: ARUP Molecular Germline Variant Investigation Process. Collection method: clinical testing. Allele origin: germline.

Breakthrough Genomics
Classification: Likely benign. Review status: criteria provided, single submitter. Criteria: ACMG Guidelines, 2015. Collection method: not provided. Allele origin: germline. Inheritance: Autosomal recessive inheritance. Affected: yes.

Department of Pathology and Laboratory Medicine, Sinai Health System
Classification: Benign. Review status: no assertion criteria provided. Collection method: clinical testing. Allele origin: unknown. Affected: yes. Study: The Canadian Open Genetics Repository (COGR). Not counted in ClinVar's aggregate classification.
Comment: The FANCM p.Ile208Met variant was identified in 6 of 854 proband chromosomes (frequency: 0.007) from individuals with breast or ovarian cancer (Nguyen-Dumont_2018_PMID:29351780). The variant was identified in dbSNP (ID: rs45547534) and ClinVar (classified as benign by ARUP Laboratories and Invitae). The variant was not identified in the Cosmic database and in control databases in 2619 of 268068 chromosomes (22 homozygous) at a frequency of 0.00977 increasing the likelihood this could be a low frequency benign variant (Genome Aggregation Database March 6, 2019, v2.1.1). The variant was observed in the following populations: European (non-Finnish) in 1778 of 118106 chromosomes (freq: 0.01505), South Asian in 313 of 30522 chromosomes (freq: 0.01025), Other in 63 of 6702 chromosomes (freq: 0.0094), Latino in 237 of 35106 chromosomes (freq: 0.006751), European (Finnish) in 136 of 24908 chromosomes (freq: 0.00546), Ashkenazi Jewish in 37 of 9860 chromosomes (freq: 0.003753) and African in 55 of 23612 chromosomes (freq: 0.002329), but was not observed in the East Asian population. The p.Ile208 residue is not conserved in mammals and computational analyses (PolyPhen-2, SIFT, AlignGVGD, BLOSUM, MutationTaster) provide inconsistent predictions regarding the impact to the protein; this information is not very predictive of pathogenicity. The variant occurs outside of the splicing consensus sequence and in silico or computational prediction software programs (SpliceSiteFinder, MaxEntScan, NNSPLICE, GeneSplicer) do not predict a difference in splicing. In summary, based on the above information this variant meets our laboratory's criteria to be classified as benign.

Literature cited by the submitters: PubMed 29351780 (cited by Quest Diagnostics Nichols Institute San Juan Capistrano).